The following is an entry in ClinVar:

ClinVar aggregate classification (germline): Likely benign (1 of 4 stars; one submission).

gnomAD v4.1: 439 of 152,124 alleles (0.29%); highest among the groups gnomAD compares: South Asian, 0.46%; 1 homozygote.

Submission:

CeGaT Center for Human Genetics Tuebingen
Classification: Likely benign. Last evaluated: 2026-09-01. Review status: criteria provided, single submitter. Criteria: CeGaT Center For Human Genetics Tuebingen Variant Classification Criteria Version 2. Collection method: clinical testing. Allele origin: germline. Affected: yes. Observed: 5 variant alleles.
Comment: MYH7: BS2

NM_000257.4(MYH7):c.5790+357G>C

Gene: MYH7 (myosin heavy chain 7; minus strand). Cytogenetic location: 14q11.2.
Variant type: single nucleotide variant.
Coding change: c.5790+357G>C on transcript NM_000257.4 (MANE Select); 357 bases into the intron after coding-DNA position 5790, G replaced by C.
Molecular consequence: intron variant.
Genome position (GRCh38, 1-based): chr14:23,413,402, C>G on the plus strand (G>C on the coding strand, the complement: MYH7 is on the minus strand). VCF-style: chr14-23413402-C-G. GRCh37 (hg19) VCF-style: chr14-23882611-C-G.
Other names: c.5790+357G>C (NM_001407004.1).
Identifiers: ClinVar variation 4085060 (VCV004085060.8).
Genomic context (GRCh38, chr14:23,413,402, plus strand): 5'-GCTGAGGCGAGTGGATCACAAGGTCAGGAGTTCAAGACCAGCCTGGCCAACATGGTGAAA[C>G]CGCATCTCTACTAAAATATAAAAATTAGCTAGACATGGTAGCACATGCCTATAATCCCAG-3'